The following is an entry in ClinVar:

ClinVar aggregate classification (germline): Pathogenic (1 of 4 stars; one submission).

Submission:

Labcorp Genetics (formerly Invitae), Labcorp
Classification: Pathogenic. Last evaluated: 2023-10-13. Review status: criteria provided, single submitter. Criteria: Invitae Variant Classification Sherloc (09022015). Collection method: clinical testing. Allele origin: germline.
Comment: This sequence change creates a premature translational stop signal (p.Trp643Profs*78) in the SPEG gene. It is expected to result in an absent or disrupted protein product. Loss-of-function variants in SPEG are known to be pathogenic (PMID: 19118250, 25087613). This variant is not present in population databases (gnomAD no frequency). This variant has not been reported in the literature in individuals affected with SPEG-related conditions. For these reasons, this variant has been classified as Pathogenic.

Literature cited by the submitters: PubMed 19118250; PubMed 25087613.

NM_005876.5(SPEG):c.1925_1926dup (p.Trp643fs)

Gene: SPEG (striated muscle enriched protein kinase; plus strand). Cytogenetic location: 2q35.
Variant type: Duplication.
Coding change: c.1925_1926dup on transcript NM_005876.5 (MANE Select); coding-DNA positions 1925 to 1926, 2 bases duplicated (CC; older notation c.1925_1926dupCC).
Protein change: p.Trp643fs; shifts the reading frame from tryptophan 643.
Molecular consequence: frameshift variant.
Genome position (GRCh38, 1-based): chr2:219,449,083-219,449,084, CC duplicated; duplicating any 2 consecutive bases within chr2:219,449,082-219,449,084 gives the same sequence; the c. name uses the placement nearest the transcript's 3' end. VCF-style (leftmost placement, unchanged base first): chr2-219449081-G-GCC. GRCh37 (hg19) VCF-style: chr2-220313803-G-GCC.
Other names: short protein forms W643fs.
Identifiers: ClinVar variation 2768130 (VCV002768130.3), dbSNP rs2545475168, ClinGen allele CA2697550438.